The following is an entry in ClinVar:

NM_015474.4(SAMHD1):c.433C>T (p.Arg145Ter)

Gene: SAMHD1 (SAM and HD domain containing deoxynucleoside triphosphate triphosphohydrolase 1; minus strand). Cytogenetic location: 20q11.23.
Variant type: single nucleotide variant.
Coding change: c.433C>T on transcript NM_015474.4 (MANE Select); coding-DNA position 433, C replaced by T.
Protein change: p.Arg145Ter; replaces arginine 145 with a stop codon.
Molecular consequence: nonsense.
Genome position (GRCh38, 1-based): chr20:36,935,105, G>A on the plus strand (C>T on the coding strand, the complement: SAMHD1 is on the minus strand). VCF-style: chr20-36935105-G-A. GRCh37 (hg19) VCF-style: chr20-35563508-G-A.
Other names: c.433C>T, p.Arg145Ter (NM_001363729.2, NM_001363733.2); short protein forms R145*.
Identifiers: ClinVar variation 4067 (VCV000004067.15), dbSNP rs121434517, ClinGen allele CA340142.

ClinVar aggregate classification (germline): Pathogenic. Review status: criteria provided, multiple submitters, no conflicts (2 of 4 stars). 7 submissions from 7 submitters: Pathogenic (5). 2 of the submissions do not count toward it. Last evaluated 2026-01-30.

Conditions:
SAMHD1-related disorder. Also called: SAMHD1-related condition.
Aicardi Goutieres syndrome (AGS). Also called: Encephalopathy, familial infantile, with calcification of basal ganglia and chronic cerebrospinal fluid lymphocytosis. Identifiers: Orphanet 51, MedGen C0393591, MONDO:0018866.
Chilblain lupus 2 (CHBL2). Identifiers: MedGen C3280721, MONDO:0013739, OMIM 614415.
Aicardi-Goutieres syndrome 5. Identifiers: Orphanet 51, MedGen C2749659, MONDO:0013059, OMIM 612952.

Allele frequency attached by ClinVar (database versions not stated): TOPMed 0.00002; gnomAD 0.00001; ExAC 0.00002; gnomAD exomes 0.00001.

Submissions (7):

Labcorp Genetics (formerly Invitae), Labcorp
Classification: Pathogenic for Aicardi-Goutieres syndrome 5. Last evaluated: 2026-01-30. Review status: criteria provided, single submitter. Criteria: Invitae Variant Classification Sherloc (09022015). Collection method: clinical testing. Allele origin: germline.
Comment: This sequence change creates a premature translational stop signal (p.Arg145*) in the SAMHD1 gene. It is expected to result in an absent or disrupted protein product. Loss-of-function variants in SAMHD1 are known to be pathogenic (PMID: 19525956, 22461318). This variant is present in population databases (rs121434517, gnomAD 0.006%). This premature translational stop signal has been observed in individuals with Aicardi-Goutières syndrome (PMID: 19525956, 20358604, 25604658). ClinVar contains an entry for this variant (Variation ID: 4067). For these reasons, this variant has been classified as Pathogenic.

Natera, Inc.
Classification: Pathogenic for Aicardi-Goutieres syndrome. Last evaluated: 2025-02-04. Review status: criteria provided, single submitter. Criteria: Natera Variant Classification Schema (03/2026). Collection method: clinical testing. Allele origin: germline.
Comment: The c.433C>T variant in SAMHD1 is a nonsense variant predicted to introduce a stop codon at amino acid 145. This variant is expected to result in nonsense mediated decay, truncation, or a dysfunctional protein product. This variant is rare in the general population with a frequency below the threshold expected for the associated phenotype(s). This variant has been observed in one or more individuals affected with the associated recessive disease, as either homozygous or compound heterozygous with a second variant (PMID: 19525956). Additionally, this variant has been observed to segregate in affected family members (PMID: 19525956). Given the available evidence, this variant is classified as Pathogenic.

Fulgent Genetics
Classification: Pathogenic for Aicardi-Goutieres syndrome 5; Chilblain lupus 2. Last evaluated: 2024-03-20. Review status: criteria provided, single submitter. Criteria: ACMG Guidelines, 2015. Collection method: clinical testing. Allele origin: germline.

Blueprint Genetics
Classification: Pathogenic for SAMHD1-related disorders. Last evaluated: 2024-02-09. Review status: criteria provided, single submitter. Criteria: ACMG Guidelines, 2015. Collection method: clinical testing. Allele origin: germline. Affected: yes. Observed: 2 variant alleles.

GeneDx
Classification: Pathogenic. Last evaluated: 2023-08-11. Review status: criteria provided, single submitter. Criteria: GeneDx Variant Classification Process June 2021. Collection method: clinical testing. Allele origin: germline. Affected: yes.
Comment: Observed with a pathogenic SAMHD1 variant in siblings with Aicardi-Goutieres syndrome, but it is not known whether the variants occurred on the same (in cis) or on different (in trans) chromosomes (Dale et al., 2010); Nonsense variant predicted to result in protein truncation or nonsense mediated decay in a gene for which loss of function is a known mechanism of disease; This variant is associated with the following publications: (PMID: 25525159, 31130284, 19525956, 22461318, 20842748, 27943079, 20358604, 25604658)

OMIM
Classification: Pathogenic for AICARDI-GOUTIERES SYNDROME 5. Last evaluated: 2010-04-01. Review status: no assertion criteria provided. Collection method: literature only. Allele origin: germline. Not counted in ClinVar's aggregate classification.

GeneReviews
No classification provided. Condition: Aicardi-Goutieres syndrome 5. Review status: no classification provided. Collection method: literature only. Allele origin: germline. Affected: yes. Not counted in ClinVar's aggregate classification.

Literature cited by the submitters: PubMed 19525956 (cited by 3 submitters); PubMed 22461318 (cited by Labcorp Genetics (formerly Invitae), Labcorp); PubMed 20358604 (cited by Labcorp Genetics (formerly Invitae), Labcorp and OMIM); PubMed 25604658 (cited by Labcorp Genetics (formerly Invitae), Labcorp); NCBI Bookshelf NBK1475 (cited by GeneReviews).